The following is an entry in ClinVar:

ClinVar aggregate classification (germline): Benign. Review status: criteria provided, single submitter (1 of 4 stars). 2 submissions from 2 submitters: Benign (1). 1 of the submissions does not count toward it. Last evaluated 2024-11-05.

Conditions:
Rubinstein-Taybi syndrome (RSTS). Identifiers: Orphanet 783, MedGen C0035934, MONDO:0019188.
CREBBP-related disorder. Also called: CREBBP-related condition; CREBBP-related disorders.

Allele frequency attached by ClinVar (database versions not stated): ExAC 0.00001; TOPMed 0.00002.
gnomAD v4.1: 4 of 1,613,914 alleles (0.00025%); highest among the groups gnomAD compares: Admixed American, 0.005%; no homozygotes.

Submissions (2):

Labcorp Genetics (formerly Invitae), Labcorp
Classification: Benign for Rubinstein-Taybi syndrome. Last evaluated: 2024-11-05. Review status: criteria provided, single submitter. Criteria: Invitae Variant Classification Sherloc (09022015). Collection method: clinical testing. Allele origin: germline.

PreventionGenetics, part of Exact Sciences
Classification: Uncertain significance for CREBBP-related condition. Last evaluated: 2024-04-06. Review status: no assertion criteria provided. Collection method: clinical testing. Allele origin: germline. Not counted in ClinVar's aggregate classification.
Comment: The CREBBP c.875G>T variant is predicted to result in the amino acid substitution p.Gly292Val. To our knowledge, this variant has not been reported in the literature. This variant is reported in 0.0087% of alleles in individuals of Latino descent in gnomAD. At this time, the clinical significance of this variant is uncertain due to the absence of conclusive functional and genetic evidence.

NM_004380.3(CREBBP):c.875G>T (p.Gly292Val)

Gene: CREBBP (CREB binding lysine acetyltransferase; minus strand). Cytogenetic location: 16p13.3.
Variant type: single nucleotide variant.
Coding change: c.875G>T on transcript NM_004380.3 (MANE Select); coding-DNA position 875, G replaced by T.
Protein change: p.Gly292Val; replaces glycine 292 with valine.
Molecular consequence: missense variant.
Genome position (GRCh38, 1-based): chr16:3,810,703, C>A on the plus strand (G>T on the coding strand, the complement: CREBBP is on the minus strand). VCF-style: chr16-3810703-C-A. GRCh37 (hg19) VCF-style: chr16-3860704-C-A.
Other names: c.875G>T, p.Gly292Val (NM_001079846.1); c.875G>T (NM_004380.2); short protein forms G292V.
Identifiers: ClinVar variation 2147316 (VCV002147316.5), dbSNP rs752252706, ClinGen allele CA7870568.